The following is an entry in ClinVar:

NM_003200.5(TCF3):c.167C>T (p.Ser56Leu)

Gene: TCF3 (transcription factor 3; minus strand). Cytogenetic location: 19p13.3.
Variant type: single nucleotide variant.
Coding change: c.167C>T on transcript NM_003200.5 (MANE Select); coding-DNA position 167, C replaced by T.
Protein change: p.Ser56Leu; replaces serine 56 with leucine.
Molecular consequence: missense variant.
Genome position (GRCh38, 1-based): chr19:1,632,384, G>A on the plus strand (C>T on the coding strand, the complement: TCF3 is on the minus strand). VCF-style: chr19-1632384-G-A. GRCh37 (hg19) VCF-style: chr19-1632383-G-A.
Other names: c.167C>T, p.Ser56Leu (NM_001136139.4, NM_001351778.2, NM_001351779.2); short protein forms S56L.
Identifiers: ClinVar variation 2102607 (VCV002102607.4), dbSNP rs777837375, ClinGen allele CA9050561.

ClinVar aggregate classification (germline): Uncertain significance (1 of 4 stars; one submission).

gnomAD v4.1: 2 of 1,596,424 alleles (0.00013%); no homozygotes.

Submission:

Labcorp Genetics (formerly Invitae), Labcorp
Classification: Uncertain significance. Last evaluated: 2022-03-20. Review status: criteria provided, single submitter. Criteria: Invitae Variant Classification Sherloc (09022015). Collection method: clinical testing. Allele origin: germline.
Comment: This variant has not been reported in the literature in individuals affected with TCF3-related conditions. This sequence change replaces serine, which is neutral and polar, with leucine, which is neutral and non-polar, at codon 56 of the TCF3 protein (p.Ser56Leu). The frequency data for this variant in the population databases is considered unreliable, as metrics indicate poor data quality at this position in the gnomAD database. Algorithms developed to predict the effect of missense changes on protein structure and function are either unavailable or do not agree on the potential impact of this missense change (SIFT: "Not Available"; PolyPhen-2: "Probably Damaging"; Align-GVGD: "Not Available"). In summary, the available evidence is currently insufficient to determine the role of this variant in disease. Therefore, it has been classified as a Variant of Uncertain Significance.